The following is an entry in ClinVar:

NM_022168.4(IFIH1):c.481G>A (p.Glu161Lys)

Gene: IFIH1 (interferon induced with helicase C domain 1; minus strand). Cytogenetic location: 2q24.2.
Variant type: single nucleotide variant.
Coding change: c.481G>A on transcript NM_022168.4 (MANE Select); coding-DNA position 481, G replaced by A.
Protein change: p.Glu161Lys; replaces glutamic acid 161 with lysine.
Molecular consequence: missense variant.
Genome position (GRCh38, 1-based): chr2:162,310,906, C>T on the plus strand (G>A on the coding strand, the complement: IFIH1 is on the minus strand). VCF-style: chr2-162310906-C-T. GRCh37 (hg19) VCF-style: chr2-163167416-C-T.
Other names: short protein forms E161K.
Identifiers: ClinVar variation 1042092 (VCV001042092.4), dbSNP rs1018886793, ClinGen allele CA59688661.

ClinVar aggregate classification (germline): Uncertain significance (1 of 4 stars; one submission).

Conditions:
Singleton-Merten syndrome 1 (SGMRT1). Also called: Widened medullary cavities of bone, aortic calcification, abnormal dentition, and muscular weakness; Syndrome of widened medullary cavities of the metacarpals and phalanges, aortic calcification and abnormal dentition. Identifiers: Orphanet 85191, MedGen C4225427, MONDO:0024535, OMIM 182250.
Aicardi-Goutieres syndrome 7 (AGS7). Identifiers: Orphanet 51, MedGen C3888244, MONDO:0014367, OMIM 615846.

Allele frequency attached by ClinVar (database versions not stated): gnomAD exomes 0.00001; TOPMed 0.00004.
gnomAD v4.1: 23 of 1,613,256 alleles (0.0014%); highest among the groups gnomAD compares: African/African-American, 0.0067%; no homozygotes.

Submission:

Labcorp Genetics (formerly Invitae), Labcorp
Classification: Uncertain significance for Aicardi-Goutieres syndrome 7; Singleton-Merten syndrome 1. Last evaluated: 2022-09-22. Review status: criteria provided, single submitter. Criteria: Invitae Variant Classification Sherloc (09022015). Collection method: clinical testing. Allele origin: germline.
Comment: This sequence change replaces glutamic acid, which is acidic and polar, with lysine, which is basic and polar, at codon 161 of the IFIH1 protein (p.Glu161Lys). This variant is present in population databases (no rsID available, gnomAD 0.007%). This variant has not been reported in the literature in individuals affected with IFIH1-related conditions. ClinVar contains an entry for this variant (Variation ID: 1042092). Advanced modeling of experimental studies (such as gene expression, population dynamics, functional pathways, and cell-cycle effects in cell culture) performed at Invitae indicates that this missense variant is not expected to disrupt IFIH1 protein function. In summary, the available evidence is currently insufficient to determine the role of this variant in disease. Therefore, it has been classified as a Variant of Uncertain Significance.